The following is an entry in ClinVar:

ClinVar aggregate classification (germline): Uncertain significance. Review status: criteria provided, multiple submitters, no conflicts (2 of 4 stars). 2 submissions from 2 submitters: Uncertain significance (2). Last evaluated 2025-09-02.

Conditions:
Inborn genetic diseases. Identifiers: MedGen C0950123, MeSH D030342.

gnomAD v4.1: 35 of 1,613,992 alleles (0.0022%); highest among the groups gnomAD compares: Non-Finnish European, 0.0018%; no homozygotes.

Submissions (2):

Labcorp Genetics (formerly Invitae), Labcorp
Classification: Uncertain significance. Last evaluated: 2025-09-02. Review status: criteria provided, single submitter. Criteria: Invitae Variant Classification Sherloc (09022015). Collection method: clinical testing. Allele origin: germline.
Comment: This sequence change replaces glutamic acid, which is acidic and polar, with glutamine, which is neutral and polar, at codon 647 of the ABCC2 protein (p.Glu647Gln). This variant is present in population databases (rs750683352, gnomAD 0.008%). This variant has not been reported in the literature in individuals affected with ABCC2-related conditions. ClinVar contains an entry for this variant (Variation ID: 3679667). Invitae Evidence Modeling of protein sequence and biophysical properties (such as structural, functional, and spatial information, amino acid conservation, physicochemical variation, residue mobility, and thermodynamic stability) indicates that this missense variant is not expected to disrupt ABCC2 protein function with a negative predictive value of 80%. In summary, the available evidence is currently insufficient to determine the role of this variant in disease. Therefore, it has been classified as a Variant of Uncertain Significance.

Ambry Genetics
Classification: Uncertain significance for Inborn genetic diseases. Last evaluated: 2025-05-04. Review status: criteria provided, single submitter. Criteria: Ambry Variant Classification Scheme 2023. Collection method: clinical testing. Allele origin: germline.

NM_000392.5(ABCC2):c.1939G>C (p.Glu647Gln)

Gene: ABCC2 (ATP binding cassette subfamily C member 2; plus strand). Cytogenetic location: 10q24.2.
Variant type: single nucleotide variant.
Coding change: c.1939G>C on transcript NM_000392.5 (MANE Select); coding-DNA position 1939, G replaced by C.
Protein change: p.Glu647Gln; replaces glutamic acid 647 with glutamine.
Molecular consequence: missense variant.
Genome position (GRCh38, 1-based): chr10:99,811,574, G>C. VCF-style: chr10-99811574-G-C. GRCh37 (hg19) VCF-style: chr10-101571331-G-C.
Other names: c.1939G>C (NM_000392.3); short protein forms E647Q.
Identifiers: ClinVar variation 3679667 (VCV003679667.3).
Genomic context (GRCh38, chr10:99,811,574, plus strand): 5'-AAAGAGGGCTTTTTCTCAACAGACAAAGCCATGCAGTTTTCTGAGGCCTCCTTTACCTGG[G>C]AACATGATTCGGAAGCCACAGTCCGAGAGTGAGTTGCCTTCTTTCCATCCTAATGTTCTT-3'
Protein context (NP_000383.2, residues 637-657): MQFSEASFTW[Glu647Gln]HDSEATVRDV